The following is an entry in ClinVar:

ClinVar aggregate classification (germline): Uncertain significance (1 of 4 stars; one submission).

Conditions:
Combined immunodeficiency due to DOCK8 deficiency (HIES2). Also called: Hyper-IgE recurrent infection syndrome, autosomal recessive; HIES autosomal recessive; DOCK8 Deficiency; HYPER-IgE RECURRENT INFECTION SYNDROME 2, AUTOSOMAL RECESSIVE; HYPER-IgE SYNDROME 2, AUTOSOMAL RECESSIVE, WITH RECURRENT INFECTIONS. Identifiers: Orphanet 217390, MedGen C4722305, MONDO:0009478, OMIM 243700.

Submission:

Labcorp Genetics (formerly Invitae), Labcorp
Classification: Uncertain significance for Combined immunodeficiency due to DOCK8 deficiency. Last evaluated: 2022-11-08. Review status: criteria provided, single submitter. Criteria: Invitae Variant Classification Sherloc (09022015). Collection method: clinical testing. Allele origin: germline.
Comment: In summary, the available evidence is currently insufficient to determine the role of this variant in disease. Therefore, it has been classified as a Variant of Uncertain Significance. Advanced modeling of protein sequence and biophysical properties (such as structural, functional, and spatial information, amino acid conservation, physicochemical variation, residue mobility, and thermodynamic stability) performed at Invitae indicates that this missense variant is not expected to disrupt DOCK8 protein function. ClinVar contains an entry for this variant (Variation ID: 1365503). This variant has not been reported in the literature in individuals affected with DOCK8-related conditions. This variant is not present in population databases (gnomAD no frequency). This sequence change replaces serine, which is neutral and polar, with glycine, which is neutral and non-polar, at codon 203 of the DOCK8 protein (p.Ser203Gly).

NM_203447.4(DOCK8):c.607A>G (p.Ser203Gly)

Gene: DOCK8 (dedicator of cytokinesis 8; plus strand). Cytogenetic location: 9p24.3.
Variant type: single nucleotide variant.
Coding change: c.607A>G on transcript NM_203447.4 (MANE Select); coding-DNA position 607, A replaced by G.
Protein change: p.Ser203Gly; replaces serine 203 with glycine.
Molecular consequence: missense variant.
Genome position (GRCh38, 1-based): chr9:312,032, A>G. VCF-style: chr9-312032-A-G. GRCh37 (hg19) VCF-style: chr9-312032-A-G.
Other names: c.403A>G, p.Ser135Gly (NM_001190458.2, NM_001193536.2); short protein forms S203G, S135G.
Identifiers: ClinVar variation 1365503 (VCV001365503.8), dbSNP rs2130697980, ClinGen allele CA372760284.